The following is an entry in ClinVar:

ClinVar aggregate classification (germline): Likely benign (1 of 4 stars; one submission).

Allele frequency attached by ClinVar (database versions not stated): gnomAD exomes 0.00001.

Submission:

CeGaT Center for Human Genetics Tuebingen
Classification: Likely benign. Last evaluated: 2025-02-01. Review status: criteria provided, single submitter. Criteria: CeGaT Center For Human Genetics Tuebingen Variant Classification Criteria Version 2. Collection method: clinical testing. Allele origin: germline. Affected: yes. Observed: 3 variant alleles.
Comment: IGFN1: BP4, BP7

NM_001164586.2(IGFN1):c.5076T>C (p.Phe1692=)

Gene: IGFN1 (immunoglobulin like and fibronectin type III domain containing 1; plus strand). Cytogenetic location: 1q32.1.
Variant type: single nucleotide variant.
Coding change: c.5076T>C on transcript NM_001164586.2 (MANE Select); coding-DNA position 5076, T replaced by C.
Protein change: p.Phe1692=; no amino-acid change (phenylalanine 1692 retained).
Molecular consequence: synonymous variant. On other transcripts: intron variant (1).
Genome position (GRCh38, 1-based): chr1:201,209,969, T>C. VCF-style: chr1-201209969-T-C. GRCh37 (hg19) VCF-style: chr1-201179097-T-C.
Other names: c.1242-3537T>C (NM_001367841.1).
Identifiers: ClinVar variation 2639751 (VCV002639751.24), dbSNP rs1243254948, ClinGen allele CA422818384.